The following is an entry in ClinVar:

NM_001365276.2(TNXB):c.3585C>T (p.Asp1195=)

Gene: TNXB (tenascin XB; minus strand). Cytogenetic location: 6p21.33.
Variant type: single nucleotide variant.
Coding change: c.3585C>T on transcript NM_001365276.2 (MANE Select); coding-DNA position 3585, C replaced by T.
Protein change: p.Asp1195=; no amino-acid change (aspartic acid 1195 retained).
Molecular consequence: synonymous variant.
Genome position (GRCh38, 1-based): chr6:32,082,187, G>A on the plus strand (C>T on the coding strand, the complement: TNXB is on the minus strand). VCF-style: chr6-32082187-G-A. GRCh37 (hg19) VCF-style: chr6-32049964-G-A.
Other names: c.3585C>T, p.Asp1195= (NM_019105.8).
Identifiers: ClinVar variation 3049446 (VCV003049446.2), dbSNP rs1779504022, ClinGen allele CA449822867.
Genomic context (GRCh38, chr6:32,082,187, plus strand): 5'-GGAGACAACAAATGAACGCTCGGGCCCTTCCACAGGTACCACCTGGGGCCGTCCATCCCT[G>A]TCCCTGTACTGGACCATGAAGGTGTCAAACTGGCCCTCAGGGACAGTCCAGGAGAGGTGC-3'
Protein context (NP_001352205.1, residues 1185-1205): QFDTFMVQYR[Asp1195=]RDGRPQVVPV

ClinVar aggregate classification (germline): Likely benign (0 of 4 stars; one submission).

Conditions:
TNXB-related disorder. Also called: TNXB-related condition.

Allele frequency attached by ClinVar (database versions not stated): gnomAD exomes below 0.00001; TOPMed below 0.00001.
gnomAD v4.1: 2 of 1,612,626 alleles (0.00012%); highest among the groups gnomAD compares: Non-Finnish European, 0.00017%; no homozygotes.

Submission:

PreventionGenetics, part of Exact Sciences
Classification: Likely benign for TNXB-related condition. Last evaluated: 2019-07-16. Review status: no assertion criteria provided. Collection method: clinical testing. Allele origin: germline.
Comment: This variant is classified as likely benign based on ACMG/AMP sequence variant interpretation guidelines (Richards et al. 2015 PMID: 25741868, with internal and published modifications).